The following is an entry in ClinVar:

GRCh38/hg38 5q23.2-31.1(chr5:126438406-132873967)x1

Genes: ACSL6 (acyl-CoA synthetase long chain family member 6; minus strand), ACSL6-AS1 (ACSL6 antisense RNA 1; plus strand), ADAMTS19 (ADAM metallopeptidase with thrombospondin type 1 motif 19; plus strand), ADAMTS19-AS1 (ADAMTS19 antisense RNA 1; minus strand), ALDH7A1 (aldehyde dehydrogenase 7 family member A1; minus strand) and 200 more. Cytogenetic location: 5q23.2-31.1.
Variant type: copy number loss.
Change: copy number 1 (one copy instead of two) of chr5:126,438,406-132,873,967 (6.44 Mb, GRCh38 coordinates, 1-based), cytogenetic band 5q23.2-31.1.
Identifiers: ClinVar variation 58356 (VCV000058356.1).

ClinVar aggregate classification (germline): Pathogenic (1 of 4 stars; one submission).

Submission:

ISCA site 15
Classification: Pathogenic. Last evaluated: 2011-08-12. Review status: criteria provided, single submitter. Criteria: Kaminsky et al. (Genet Med. 2011). Collection method: clinical testing. Allele origin: de novo. Affected: yes. Observed: 1 variant allele.
Comment: Copy number variation identified through the course of routine clinical cytogenomic testing in postnatal populations. Clinical assertions have been curated as described in Kaminsky et al. 2011.